The following is an entry in ClinVar:

ClinVar aggregate classification (germline): Uncertain significance (1 of 4 stars; one submission).

Conditions:
Arrhythmogenic cardiomyopathy with wooly hair and keratoderma. Also called: Dilated cardiomyopathy with woolly hair and keratoderma; Arrhythmogenic cardiomyopathy with woolly hair and keratoderma; PALMOPLANTAR KERATODERMA WITH LEFT VENTRICULAR CARDIOMYOPATHY AND WOOLLY HAIR; Carvajal syndrome. Identifiers: Orphanet 65282, MedGen C1854063, MONDO:0011581, OMIM 605676.
Arrhythmogenic right ventricular dysplasia 8 (ARVD8). Also called: Arrhythmogenic Right Ventricular Dysplasia/Cardiomyopathy 8; ARRHYTHMOGENIC RIGHT VENTRICULAR DYSPLASIA, FAMILIAL, 8; ARRHYTHMOGENIC RIGHT VENTRICULAR CARDIOMYOPATHY 8. Identifiers: MedGen C1843896, MONDO:0011831, OMIM 607450.

gnomAD v4.1: 1 of 1,614,082 alleles (0.000062%); no homozygotes.

Submission:

Labcorp Genetics (formerly Invitae), Labcorp
Classification: Uncertain significance for Arrhythmogenic cardiomyopathy with wooly hair and keratoderma; Arrhythmogenic right ventricular dysplasia 8. Last evaluated: 2023-05-26. Review status: criteria provided, single submitter. Criteria: Invitae Variant Classification Sherloc (09022015). Collection method: clinical testing. Allele origin: germline.
Comment: This sequence change replaces aspartic acid, which is acidic and polar, with valine, which is neutral and non-polar, at codon 2611 of the DSP protein (p.Asp2611Val). This variant is not present in population databases (gnomAD no frequency). This variant has not been reported in the literature in individuals affected with DSP-related conditions. An algorithm developed to predict the effect of missense changes on protein structure and function (PolyPhen-2) suggests that this variant is likely to be tolerated. In summary, the available evidence is currently insufficient to determine the role of this variant in disease. Therefore, it has been classified as a Variant of Uncertain Significance.

NM_004415.4(DSP):c.7832A>T (p.Asp2611Val)

Gene: DSP (desmoplakin; plus strand). Cytogenetic location: 6p24.3.
Variant type: single nucleotide variant.
Coding change: c.7832A>T on transcript NM_004415.4 (MANE Select); coding-DNA position 7832, A replaced by T.
Protein change: p.Asp2611Val; replaces aspartic acid 2611 with valine.
Molecular consequence: missense variant.
Genome position (GRCh38, 1-based): chr6:7,585,094, A>T. VCF-style: chr6-7585094-A-T. GRCh37 (hg19) VCF-style: chr6-7585327-A-T.
Other names: c.6035A>T, p.Asp2012Val (NM_001008844.3); c.6503A>T, p.Asp2168Val (NM_001319034.2); short protein forms D2168V, D2012V, D2611V.
Identifiers: ClinVar variation 2925092 (VCV002925092.3), dbSNP rs2533948152, ClinGen allele CA362693876.
Genomic context (GRCh38, chr6:7,585,094, plus strand): 5'-GTAAGATTTCCACCATATCCAGCGTCAGGAATTTAACCATAAGGAGCAGCTCTTTTTCAG[A>T]CACCCTGGAAGAATCGAGCCCCATTGCAGCCATCTTTGACACAGAAAACCTGGAGAAAAT-3'
Protein context (NP_004406.2, residues 2601-2621): NLTIRSSSFS[Asp2611Val]TLEESSPIAA